The following is an entry in ClinVar:

NM_024422.6(DSC2):c.794T>C (p.Val265Ala)

Gene: DSC2 (desmocollin 2; minus strand). Cytogenetic location: 18q12.1.
Variant type: single nucleotide variant.
Coding change: c.794T>C on transcript NM_024422.6 (MANE Select); coding-DNA position 794, T replaced by C.
Protein change: p.Val265Ala; replaces valine 265 with alanine.
Molecular consequence: missense variant.
Genome position (GRCh38, 1-based): chr18:31,086,724, A>G on the plus strand (T>C on the coding strand, the complement: DSC2 is on the minus strand). VCF-style: chr18-31086724-A-G. GRCh37 (hg19) VCF-style: chr18-28666687-A-G.
Other names: c.365T>C, p.Val122Ala (NM_001406506.1, NM_001406507.1); c.794T>C, p.Val265Ala (NM_004949.5); short protein forms V122A, V265A.
Identifiers: ClinVar variation 4809892 (VCV004809892.1).
Genomic context (GRCh38, chr18:31,086,724, plus strand): 5'-ATGATGGAGTACTTCAGGCGTGTGTGCATCGTGTCAGGCTCATCTTTGTCAGTAGCACAC[A>G]CTTGTCCCACAGTAGTGCCTAGAGAAGAAAAGTCCTTTTTAATCTCCAAAACATTCACAT-3'
Protein context (NP_077740.1, residues 255-275): NCRVGTTVGQ[Val265Ala]CATDKDEPDT

ClinVar aggregate classification (germline): Uncertain significance (1 of 4 stars; one submission).

Conditions:
Arrhythmogenic right ventricular dysplasia 11. Also called: ARRHYTHMOGENIC RIGHT VENTRICULAR DYSPLASIA, FAMILIAL, 11; Arrhythmogenic Right Ventricular Dysplasia/Cardiomyopathy11; Arrhythmogenic right ventricular dysplasia 11 with mild palmoplantar keratoderma and woolly hair. Identifiers: MedGen C1864850, MONDO:0012506, OMIM 610476.

gnomAD v4.1: 5 of 1,614,074 alleles (0.00031%); highest among the groups gnomAD compares: Non-Finnish European, 0.00042%; no homozygotes.

Submission:

Labcorp Genetics (formerly Invitae), Labcorp
Classification: Uncertain significance for Arrhythmogenic right ventricular dysplasia 11. Last evaluated: 2025-07-06. Review status: criteria provided, single submitter. Criteria: Invitae Variant Classification Sherloc (09022015). Collection method: clinical testing. Allele origin: germline.
Comment: This sequence change replaces valine, which is neutral and non-polar, with alanine, which is neutral and non-polar, at codon 265 of the DSC2 protein (p.Val265Ala). This variant is not present in population databases (gnomAD no frequency). This variant has not been reported in the literature in individuals affected with DSC2-related conditions. Invitae Evidence Modeling of protein sequence and biophysical properties (such as structural, functional, and spatial information, amino acid conservation, physicochemical variation, residue mobility, and thermodynamic stability) indicates that this missense variant is expected to disrupt DSC2 protein function with a positive predictive value of 80%. In summary, the available evidence is currently insufficient to determine the role of this variant in disease. Therefore, it has been classified as a Variant of Uncertain Significance.